The following is an entry in ClinVar:

NC_000016.9:g.(?_89220488)_(89222264_?)del

Gene: ACSF3 (acyl-CoA synthetase family member 3; plus strand). Cytogenetic location: 16q24.3.
Variant type: Deletion.
Identifiers: ClinVar variation 2427524 (VCV002427524.4).

ClinVar aggregate classification (germline): Pathogenic (1 of 4 stars; one submission).

Conditions:
Combined malonic and methylmalonic acidemia. Identifiers: Orphanet 289504, MedGen C3280314, MONDO:0013661, OMIM 614265.

Submission:

Labcorp Genetics (formerly Invitae), Labcorp
Classification: Pathogenic for Combined malonic and methylmalonic acidemia. Last evaluated: 2022-03-18. Review status: criteria provided, single submitter. Criteria: Invitae Variant Classification Sherloc (09022015). Collection method: clinical testing. Allele origin: germline.
Comment: For these reasons, this variant has been classified as Pathogenic. This variant disrupts a region of the ACSF3 protein in which other variant(s) (p.Arg558Trp) have been determined to be pathogenic (PMID: 21841779, 26827111; Invitae). This suggests that this is a clinically significant region of the protein, and that variants that disrupt it are likely to be disease-causing. This variant has not been reported in the literature in individuals affected with ACSF3-related conditions. This variant is a gross deletion of the genomic region encompassing exon(s) 11 of the ACSF3 gene, which includes the termination codon. This deletion extends beyond the assayed region for this gene and therefore may encompass additional genes. While this deletion is not anticipated to lead to nonsense mediated decay, it is expected to alter mRNA translation or result in a truncated protein product.

Literature cited by the submitters: PubMed 21841779; PubMed 26827111.